The following is an entry in ClinVar:

ClinVar aggregate classification (germline): Uncertain significance. Review status: criteria provided, multiple submitters, no conflicts (2 of 4 stars). 2 submissions from 2 submitters: Uncertain significance (2). Last evaluated 2022-11-10.

Allele frequency attached by ClinVar (database versions not stated): gnomAD 0.00004; TOPMed 0.00004; ExAC 0.00007; 1000 Genomes Project 30x 0.00016; 1000 Genomes Project 0.00020.
gnomAD v4.1: 110 of 1,611,306 alleles (0.0068%); highest among the groups gnomAD compares: Non-Finnish European, 0.0092%; no homozygotes.

Submissions (2):

Ambry Genetics
Classification: Uncertain significance. Last evaluated: 2022-11-10. Review status: criteria provided, single submitter. Criteria: Ambry Variant Classification Scheme 2023. Collection method: clinical testing. Allele origin: germline.

Labcorp Genetics (formerly Invitae), Labcorp
Classification: Uncertain significance. Last evaluated: 2022-09-04. Review status: criteria provided, single submitter. Criteria: Invitae Variant Classification Sherloc (09022015). Collection method: clinical testing. Allele origin: germline.
Comment: In summary, the available evidence is currently insufficient to determine the role of this variant in disease. Therefore, it has been classified as a Variant of Uncertain Significance. Experimental studies and prediction algorithms are not available or were not evaluated, and the functional significance of this variant is currently unknown. This variant has not been reported in the literature in individuals affected with EXOC6B-related conditions. This variant is present in population databases (rs199830469, gnomAD 0.01%). This sequence change replaces isoleucine, which is neutral and non-polar, with threonine, which is neutral and polar, at codon 551 of the EXOC6B protein (p.Ile551Thr).

NM_015189.3(EXOC6B):c.1652T>C (p.Ile551Thr)

Gene: EXOC6B (exocyst complex component 6B; minus strand). Cytogenetic location: 2p13.2.
Variant type: single nucleotide variant.
Coding change: c.1652T>C on transcript NM_015189.3 (MANE Select); coding-DNA position 1652, T replaced by C.
Protein change: p.Ile551Thr; replaces isoleucine 551 with threonine.
Molecular consequence: missense variant. On other transcripts: non-coding transcript variant (2).
Genome position (GRCh38, 1-based): chr2:72,492,331, A>G on the plus strand (T>C on the coding strand, the complement: EXOC6B is on the minus strand). VCF-style: chr2-72492331-A-G. GRCh37 (hg19) VCF-style: chr2-72719460-A-G.
Other names: c.1652T>C, p.Ile551Thr (NM_001321729.2, NM_001321730.2, NM_001321731.2 and 1 more transcripts); c.1313T>C, p.Ile438Thr (NM_001321734.2); short protein forms I551T, I438T.
Identifiers: ClinVar variation 2053352 (VCV002053352.3), dbSNP rs199830469, ClinGen allele CA1708389.